The following is an entry in ClinVar:

ClinVar aggregate classification (germline): Benign (1 of 4 stars; one submission).

Submission:

Women's Health and Genetics/Laboratory Corporation of America, LabCorp
Classification: Benign. Last evaluated: 2022-06-15. Review status: criteria provided, single submitter. Criteria: LabCorp Variant Classification Summary - May 2015. Collection method: clinical testing. Allele origin: germline.
Comment: Variant summary: The variant identified by MLPA or other technology involves the duplication of exons 2-13 (include all coding exons) in the BLK gene. A presumed nomenclature of c.(-2+1_-1-1)_(*492_?)dup has been designated for the purposes of this classification. It has been assumed that this is a tandem duplication in direct orientation (Richardson_GIM_2018, Newman_AJHG_2015). Although exact breakpoints of this duplication are not known, it is expected to result in a duplication of the whole BLK gene. Multiple large duplications including exons 2-13 was found in gnomAD database, one of which was found at a frequency of 0.0006 in 21694 control chromosomes in the gnomAD database, including 3 homozygotes. The observed variant frequency is approximately 3955 fold of the estimated maximal expected allele frequency for a pathogenic variant in BLK causing Monogenic Diabetes phenotype (1.5e-07), strongly suggesting that the variant is benign. To our knowledge, no occurrence of c.(-2+1_-1-1)_(*492_?)dup in individuals affected with Monogenic Diabetes and no experimental evidence demonstrating its impact on protein function have been reported. One clinical diagnostic laboratory has submitted clinical-significance assessments for a similar CNV variant ((chr8:11391650-11450587)x3) to ClinVar after 2014 without evidence for independent evaluation and classified the variant as benign. Based on the evidence outlined above, the variant was classified as benign.

NC_000008.10:g.(11352101_11400732)_(11422109_?)dup

Gene: BLK (BLK proto-oncogene, Src family tyrosine kinase). Cytogenetic location: 8p23.1.
Variant type: Duplication.
Identifiers: ClinVar variation 1698567 (VCV001698567.1).